The following is an entry in ClinVar:

ClinVar aggregate classification (germline): Uncertain significance (1 of 4 stars; one submission).

Conditions:
Familial thoracic aortic aneurysm and aortic dissection (TAAD). Also called: Thoracic aortic aneurysms and dissections. Identifiers: Orphanet 91387, MedGen C4707243, MONDO:0019625.

Submission:

Ambry Genetics
Classification: Uncertain significance for Familial thoracic aortic aneurysm and aortic dissection. Last evaluated: 2025-10-14. Review status: criteria provided, single submitter. Criteria: Ambry Variant Classification Scheme 2023. Collection method: clinical testing. Allele origin: germline.
Comment: The p.R1079T variant (also known as c.3236G>C), located in coding exon 15 of the MYLK gene, results from a G to C substitution at nucleotide position 3236. The arginine at codon 1079 is replaced by threonine, an amino acid with similar properties. This amino acid position is conserved. In addition, this alteration is predicted to be tolerated by in silico analysis. Based on the available evidence, the clinical significance of this variant remains unclear.

NM_053025.4(MYLK):c.3236G>C (p.Arg1079Thr)

Gene: MYLK (myosin light chain kinase; minus strand). Cytogenetic location: 3q21.1.
Variant type: single nucleotide variant.
Coding change: c.3236G>C on transcript NM_053025.4 (MANE Select); coding-DNA position 3236, G replaced by C.
Protein change: p.Arg1079Thr; replaces arginine 1079 with threonine.
Molecular consequence: missense variant.
Genome position (GRCh38, 1-based): chr3:123,700,232, C>G on the plus strand (G>C on the coding strand, the complement: MYLK is on the minus strand). VCF-style: chr3-123700232-C-G. GRCh37 (hg19) VCF-style: chr3-123419079-C-G.
Other names: c.2708G>C, p.Arg903Thr (NM_001321309.2); c.3029G>C, p.Arg1010Thr (NM_053026.4, NM_053028.4); c.3236G>C, p.Arg1079Thr (NM_053027.4); short protein forms R1010T, R903T, R1079T.
Identifiers: ClinVar variation 4635439 (VCV004635439.1).